The following is an entry in ClinVar:

ClinVar aggregate classification (germline): Uncertain significance (1 of 4 stars; one submission).

Conditions:
Hypertrophic cardiomyopathy 14. Identifiers: MedGen C2750467, MONDO:0013197, OMIM 613251.

Allele frequency attached by ClinVar (database versions not stated): gnomAD exomes below 0.00001.
gnomAD v4.1: 1 of 1,612,522 alleles (0.000062%); highest among the groups gnomAD compares: Non-Finnish European, 0.000085%; no homozygotes.

Submission:

Labcorp Genetics (formerly Invitae), Labcorp
Classification: Uncertain significance for Hypertrophic cardiomyopathy 14. Last evaluated: 2023-06-28. Review status: criteria provided, single submitter. Criteria: Invitae Variant Classification Sherloc (09022015). Collection method: clinical testing. Allele origin: germline.
Comment: In summary, the available evidence is currently insufficient to determine the role of this variant in disease. Therefore, it has been classified as a Variant of Uncertain Significance. Advanced modeling of protein sequence and biophysical properties (such as structural, functional, and spatial information, amino acid conservation, physicochemical variation, residue mobility, and thermodynamic stability) performed at Invitae indicates that this missense variant is not expected to disrupt MYH6 protein function. This variant has not been reported in the literature in individuals affected with MYH6-related conditions. This variant is not present in population databases (gnomAD no frequency). This sequence change replaces leucine, which is neutral and non-polar, with serine, which is neutral and polar, at codon 1430 of the MYH6 protein (p.Leu1430Ser).

NM_002471.4(MYH6):c.4289T>C (p.Leu1430Ser)

Gene: MYH6 (myosin heavy chain 6; minus strand). Cytogenetic location: 14q11.2.
Variant type: single nucleotide variant.
Coding change: c.4289T>C on transcript NM_002471.4 (MANE Select); coding-DNA position 4289, T replaced by C.
Protein change: p.Leu1430Ser; replaces leucine 1430 with serine.
Molecular consequence: missense variant.
Genome position (GRCh38, 1-based): chr14:23,388,225, A>G on the plus strand (T>C on the coding strand, the complement: MYH6 is on the minus strand). VCF-style: chr14-23388225-A-G. GRCh37 (hg19) VCF-style: chr14-23857434-A-G.
Other names: short protein forms L1430S.
Identifiers: ClinVar variation 2731736 (VCV002731736.3), dbSNP rs2502149886, ClinGen allele CA388998898.
Genomic context (GRCh38, chr14:23,388,225, plus strand): 5'-TTTCTCTGCTTCTTGTCCAGGGCTGCAGCAGCAGCATTGGAGCGCTCTACGTCCACCATC[A>G]AGTCCTCTATCTCATTCTGTAGCCGGTGCTTGGTCTTCTCCAGTGAGGAGCACTTGGCAT-3'
Protein context (NP_002462.2, residues 1420-1440): KHRLQNEIED[Leu1430Ser]MVDVERSNAA